The following is an entry in ClinVar:

NM_000552.5(VWF):c.3281T>C (p.Ile1094Thr)

Gene: VWF (von Willebrand factor; minus strand). Cytogenetic location: 12p13.31.
Variant type: single nucleotide variant.
Coding change: c.3281T>C on transcript NM_000552.5 (MANE Select); coding-DNA position 3281, T replaced by C.
Protein change: p.Ile1094Thr; replaces isoleucine 1094 with threonine.
Molecular consequence: missense variant.
Genome position (GRCh38, 1-based): chr12:6,023,729, A>G on the plus strand (T>C on the coding strand, the complement: VWF is on the minus strand). VCF-style: chr12-6023729-A-G. GRCh37 (hg19) VCF-style: chr12-6132895-A-G.
Other names: c.3281T>C (NM_000552.4); short protein forms I1094T.
Identifiers: ClinVar variation 100251 (VCV000100251.7), dbSNP rs267607317, ClinGen allele CA228386.

ClinVar aggregate classification (germline): Uncertain significance. Review status: criteria provided, multiple submitters, no conflicts (2 of 4 stars). 5 submissions from 5 submitters: Uncertain significance (4). 1 of the submissions does not count toward it. Last evaluated 2026-07-11.

Conditions:
VWF-related disorder. Also called: VWF-related disorders; VWF-related condition.

Allele frequency attached by ClinVar (database versions not stated): 1000 Genomes Project below 0.00001; TOPMed 0.00004; gnomAD 0.00007; gnomAD exomes 0.00007 and 0.00008; ESP Exome Variant Server 0.00008; ExAC 0.00009.
gnomAD v4.1: 112 of 1,613,654 alleles (0.0069%); highest among the groups gnomAD compares: Middle Eastern, 0.017%; no homozygotes.

Submissions (5):

PreventionGenetics, part of Exact Sciences
Classification: Uncertain significance for VWF-related condition. Last evaluated: 2026-07-11. Review status: criteria provided, single submitter. Criteria: ACMG Guidelines, 2015. Collection method: clinical testing. Allele origin: germline.
Comment: The VWF c.3281T>C variant is predicted to result in the amino acid substitution p.Ile1094Thr. This variant has been reported in an individual with type 1 von Willebrand disease (Goodeve et al. 2007. PubMed ID: 16985174). Functional studies were conflicting, with some supporting altered protein function, yet most supporting function similar to wild type protein (White-Adams et al. 2016. PubMed ID: 27533707). This variant is reported in 0.020% of alleles in individuals of East Asian descent in gnomAD and is interpreted as uncertain in ClinVar (Variation ID: 100251). At this time, the clinical significance of this variant is uncertain due to the absence of conclusive functional and genetic evidence.

Quest Diagnostics Nichols Institute San Juan Capistrano
Classification: Uncertain significance. Last evaluated: 2025-02-11. Review status: criteria provided, single submitter. Criteria: Quest Diagnostics criteria. Collection method: clinical testing. Allele origin: unknown.
Comment: The VWF c.3281T>C (p.Ile1094Thr) variant has been reported in the published literature in an individual with Type 1 von Willebrand disease (VWD) with normal multimers (PMID: 16985174 (2007)). Assessment of experimental evidence regarding the effect of this variant on protein function is inconclusive (PMID: 27533707 (2016)). The frequency of this variant in the general population (Genome Aggregation Database) is uninformative in the assessment of its pathogenicity. Analysis of this variant using bioinformatics tools for the prediction of the effect of amino acid changes on protein structure and function yielded conflicting predictions that this variant is deleterious or benign. Based on the available information, we are unable to determine the clinical significance of this variant.

Blueprint Genetics
Classification: Uncertain significance. Last evaluated: 2023-10-05. Review status: criteria provided, single submitter. Criteria: ACMG Guidelines, 2015. Collection method: clinical testing. Allele origin: germline.

GeneDx
Classification: Uncertain significance. Last evaluated: 2023-07-28. Review status: criteria provided, single submitter. Criteria: GeneDx Variant Classification Process June 2021. Collection method: clinical testing. Allele origin: germline.
Comment: Reported in a patient with type 1 von Willebrand disease but normal multimers (Goodeve et al., 2007); Functional analysis showed that p.(I1094T) resulted in decreased pseudo-weibel palade bodies (WPB) formation but similar expression, retention, secretion and FVIII binding compared with wildtype (White-Adams et al., 2016); In silico analysis supports that this missense variant does not alter protein structure/function; This variant is associated with the following publications: (PMID: 34272389, 16985174, 27533707)

Academic Unit of Haematology, University of Sheffield
No classification provided. Review status: no classification provided. Collection method: not provided. Allele origin: not provided. Not counted in ClinVar's aggregate classification.

Literature cited by the submitters: PubMed 16985174 (cited by Quest Diagnostics Nichols Institute San Juan Capistrano); PubMed 27533707 (cited by Quest Diagnostics Nichols Institute San Juan Capistrano); PubMed 34272389 (cited by Quest Diagnostics Nichols Institute San Juan Capistrano).